The following is an entry in ClinVar:

ClinVar aggregate classification (germline): Uncertain significance (1 of 4 stars; one submission).

Conditions:
Arrhythmogenic right ventricular cardiomyopathy (ARVD). Also called: Arrhythmogenic right ventricular dysplasia; Cardiomyopathy, ARVC; Arrhythmogenic cardiomyopathy; Arrhythmogenic Right Ventricular Cardiomyopathy (ARVC). Identifiers: Orphanet 247, MedGen C0349788, MeSH D019571, MONDO:0016587. Disease mechanism: loss of function. Inheritance: Various modes of inheritance.

Submission:

All of Us Research Program, National Institutes of Health
Classification: Uncertain significance for Arrhythmogenic right ventricular cardiomyopathy. Last evaluated: 2023-12-18. Review status: criteria provided, single submitter. Criteria: ACMG Guidelines, 2015. Collection method: clinical testing. Allele origin: germline. Inheritance: Autosomal dominant inheritance. Observed: 1 variant allele, 1 heterozygote.
Comment: This missense variant replaces threonine with serine at codon 505 of the DSG2 protein. Computational prediction suggests that this variant may not impact protein structure and function (internally defined REVEL score threshold <= 0.5, PMID: 27666373). To our knowledge, functional studies have not been reported for this variant. This variant has not been reported in individuals affected with DSG2-related disorders in the literature. This variant has not been identified in the general population by the Genome Aggregation Database (gnomAD). The available evidence is insufficient to determine the role of this variant in disease conclusively. Therefore, this variant is classified as a Variant of Uncertain Significance.

This study involves interpretation of variants in research participants for the purpose of population health screening. Participant phenotype was not available at the time of variant classification. Additional details can be found in publication PMID: 35346344, PMCID: PMC8962531

NM_001943.5(DSG2):c.1513A>T (p.Thr505Ser)

Gene: DSG2 (desmoglein 2; plus strand). Cytogenetic location: 18q12.1.
Variant type: single nucleotide variant.
Coding change: c.1513A>T on transcript NM_001943.5 (MANE Select); coding-DNA position 1513, A replaced by T.
Protein change: p.Thr505Ser; replaces threonine 505 with serine.
Molecular consequence: missense variant.
Genome position (GRCh38, 1-based): chr18:31,536,291, A>T. VCF-style: chr18-31536291-A-T. GRCh37 (hg19) VCF-style: chr18-29116254-A-T.
Other names: short protein forms T505S.
Identifiers: ClinVar variation 3075173 (VCV003075173.1), dbSNP rs2510917862, ClinGen allele CA402141557.